The following is an entry in ClinVar:

ClinVar aggregate classification (germline): Likely benign. Review status: criteria provided, single submitter (1 of 4 stars). 2 submissions from 2 submitters: Likely benign (1). 1 of the submissions does not count toward it. Last evaluated 2018-05-21.

Conditions:
NOS3-related disorder. Also called: NOS3-related condition.

Allele frequency attached by ClinVar (database versions not stated): gnomAD exomes below 0.00001; gnomAD 0.00001 and 0.00002; TOPMed 0.00001.
gnomAD v4.1: 13 of 1,613,350 alleles (0.00081%); highest among the groups gnomAD compares: East Asian, 0.0022%; no homozygotes.

Submissions (2):

Labcorp Genetics (formerly Invitae), Labcorp
Classification: Likely benign. Last evaluated: 2018-05-21. Review status: criteria provided, single submitter. Criteria: Invitae Variant Classification Sherloc (09022015). Collection method: clinical testing. Allele origin: germline.

PreventionGenetics, part of Exact Sciences
Classification: Likely benign for NOS3-related condition. Last evaluated: 2019-05-24. Review status: no assertion criteria provided. Collection method: clinical testing. Allele origin: germline. Not counted in ClinVar's aggregate classification.
Comment: This variant is classified as likely benign based on ACMG/AMP sequence variant interpretation guidelines (Richards et al. 2015 PMID: 25741868, with internal and published modifications).

NM_000603.5(NOS3):c.1251C>T (p.Ile417=)

Genes: NOS3 (nitric oxide synthase 3; plus strand), LOC126860224 (CDK7 strongly-dependent group 2 enhancer GRCh37_chr7:150698330-150699529; plus strand). Cytogenetic location: 7q36.1.
Variant type: single nucleotide variant.
Coding change: c.1251C>T on transcript NM_000603.5 (MANE Select); coding-DNA position 1251, C replaced by T.
Protein change: p.Ile417=; no amino-acid change (isoleucine 417 retained).
Molecular consequence: synonymous variant.
Genome position (GRCh38, 1-based): chr7:151,001,248, C>T. VCF-style: chr7-151001248-C-T. GRCh37 (hg19) VCF-style: chr7-150698336-C-T.
Other names: c.1251C>T, p.Ile417= (NM_001160109.2, NM_001160110.1, NM_001160111.1).
Identifiers: ClinVar variation 744580 (VCV000744580.5), dbSNP rs1012519236, ClinGen allele CA169072387.